The following is an entry in ClinVar:

NM_138927.4(SON):c.6657+178G>A

Gene: SON (SON DNA and RNA binding protein; plus strand). Cytogenetic location: 21q22.11.
Variant type: single nucleotide variant.
Coding change: c.6657+178G>A on transcript NM_138927.4 (MANE Select); 178 bases into the intron after coding-DNA position 6657, G replaced by A.
Molecular consequence: intron variant. On other transcripts: missense variant (1).
Genome position (GRCh38, 1-based): chr21:33,559,953, G>A. VCF-style: chr21-33559953-G-A. GRCh37 (hg19) VCF-style: chr21-34932259-G-A.
Other names: c.6734G>A, p.Cys2245Tyr (NM_032195.3); c.741+178G>A (NM_001291412.3); short protein forms C2245Y.
Identifiers: ClinVar variation 2820800 (VCV002820800.3), dbSNP rs1048755805, ClinGen allele CA320105418.
Genomic context (GRCh38, chr21:33,559,953, plus strand): 5'-AGGGCCGGGTTAGACGACAGATGAAACAACCCGCAGCTTCTCATTTGACAGTAACTCGAT[G>A]CAATTCACTTTGTGGAACCAAGCCACAAAGTGAAAAGCATCGAATTGCAGAGAACAGTGT-3'

ClinVar aggregate classification (germline): Uncertain significance (1 of 4 stars; one submission).

Allele frequency attached by ClinVar (database versions not stated): TOPMed below 0.00001.

Submission:

Labcorp Genetics (formerly Invitae), Labcorp
Classification: Uncertain significance. Last evaluated: 2024-10-23. Review status: criteria provided, single submitter. Criteria: Invitae Variant Classification Sherloc (09022015). Collection method: clinical testing. Allele origin: germline.
Comment: This sequence change replaces cysteine, which is neutral and slightly polar, with tyrosine, which is neutral and polar, at codon 2245 of the SON protein (p.Cys2245Tyr). This variant is not present in population databases (gnomAD no frequency). This variant has not been reported in the literature in individuals affected with SON-related conditions. Experimental studies and prediction algorithms are not available or were not evaluated, and the functional significance of this variant is currently unknown. In summary, the available evidence is currently insufficient to determine the role of this variant in disease. Therefore, it has been classified as a Variant of Uncertain Significance.